The following is an entry in ClinVar:

NM_175875.5(SIX5):c.1400G>A (p.Ser467Asn)

Gene: SIX5 (SIX homeobox 5; minus strand). Cytogenetic location: 19q13.32.
Variant type: single nucleotide variant.
Coding change: c.1400G>A on transcript NM_175875.5 (MANE Select); coding-DNA position 1400, G replaced by A.
Protein change: p.Ser467Asn; replaces serine 467 with asparagine.
Molecular consequence: missense variant.
Genome position (GRCh38, 1-based): chr19:45,766,559, C>T on the plus strand (G>A on the coding strand, the complement: SIX5 is on the minus strand). VCF-style: chr19-45766559-C-T. GRCh37 (hg19) VCF-style: chr19-46269817-C-T.
Other names: short protein forms S467N.
Identifiers: ClinVar variation 2634151 (VCV002634151.6), dbSNP rs372239517, ClinGen allele CA9520626.

ClinVar aggregate classification (germline): Conflicting classifications of pathogenicity. Review status: criteria provided, conflicting classifications (1 of 4 stars). 4 submissions from 4 submitters: Uncertain significance (2); Likely benign (2). Last evaluated 2025-06-22.

Conditions:
SIX5-related disorder. Also called: SIX5-related condition.
Branchiootorenal syndrome 2 (BOR2). Identifiers: Orphanet 107, MedGen C1970479, MONDO:0012575, OMIM 610896.

Allele frequency attached by ClinVar (database versions not stated): gnomAD exomes 0.00001; gnomAD 0.00012; TOPMed 0.00015; ESP Exome Variant Server 0.00035; ExAC 0.00046.
gnomAD v4.1: 34 of 1,478,256 alleles (0.0023%); highest among the groups gnomAD compares: African/African-American, 0.046%; no homozygotes.

Submissions (4):

Ambry Genetics
Classification: Likely benign. Last evaluated: 2025-06-22. Review status: criteria provided, single submitter. Criteria: Ambry Variant Classification Scheme 2023. Collection method: clinical testing. Allele origin: germline.

Fulgent Genetics
Classification: Likely benign for Branchiootorenal syndrome 2. Last evaluated: 2024-02-27. Review status: criteria provided, single submitter. Criteria: ACMG Guidelines, 2015. Collection method: clinical testing. Allele origin: germline.

PreventionGenetics, part of Exact Sciences
Classification: Uncertain significance for SIX5-related condition. Last evaluated: 2023-08-16. Review status: criteria provided, single submitter. Criteria: ACMG Guidelines, 2015. Collection method: clinical testing. Allele origin: germline.
Comment: The SIX5 c.1400G>A variant is predicted to result in the amino acid substitution p.Ser467Asn. To our knowledge, this variant has not been reported in the literature. This variant is reported in 0.057% of alleles in individuals of African descent in gnomAD. Although we suspect that this variant may be benign, at this time, the clinical significance of this variant is uncertain due to the absence of conclusive functional and genetic evidence.

Labcorp Genetics (formerly Invitae), Labcorp
Classification: Uncertain significance. Last evaluated: 2023-08-08. Review status: criteria provided, single submitter. Criteria: Invitae Variant Classification Sherloc (09022015). Collection method: clinical testing. Allele origin: germline.
Comment: Advanced modeling of protein sequence and biophysical properties (such as structural, functional, and spatial information, amino acid conservation, physicochemical variation, residue mobility, and thermodynamic stability) performed at Invitae indicates that this missense variant is not expected to disrupt SIX5 protein function. This variant has not been reported in the literature in individuals affected with SIX5-related conditions. This variant is present in population databases (rs372239517, gnomAD 0.06%). In summary, the available evidence is currently insufficient to determine the role of this variant in disease. Therefore, it has been classified as a Variant of Uncertain Significance. This sequence change replaces serine, which is neutral and polar, with asparagine, which is neutral and polar, at codon 467 of the SIX5 protein (p.Ser467Asn).